The following is an entry in ClinVar:

ClinVar aggregate classification (germline): Conflicting classifications of pathogenicity. Review status: criteria provided, conflicting classifications (1 of 4 stars). 5 submissions from 5 submitters: Uncertain significance (3); Benign (1); Likely benign (1). Last evaluated 2026-01-21.

Conditions:
Brugada syndrome 3 (BRGDA3). Identifiers: Orphanet 130, MedGen C2678478, MONDO:0012742, OMIM 611875.
Long QT syndrome 8. Identifiers: MedGen CN260585, MONDO:0032756, OMIM 618447.
Timothy syndrome (TS). Also called: LONG QT SYNDROME WITH SYNDACTYLY. Identifiers: Orphanet 65283, MedGen C1832916, MeSH C536962, MONDO:0010979, OMIM 601005.
Cardiovascular phenotype. Identifiers: MedGen CN230736.
Long QT syndrome (LQTS). Identifiers: MedGen C0023976, MeSH D008133, MONDO:0002442. Disease mechanism: loss of function. Inheritance: Various modes of inheritance.

Allele frequency attached by ClinVar (database versions not stated): gnomAD 0.00004; gnomAD exomes 0.00004; ExAC 0.00005; TOPMed 0.00008; ESP Exome Variant Server 0.00017.
gnomAD v4.1: 44 of 1,612,530 alleles (0.0027%); highest among the groups gnomAD compares: Middle Eastern, 0.033%; no homozygotes.

Submissions (5):

Labcorp Genetics (formerly Invitae), Labcorp
Classification: Likely benign for Long QT syndrome. Last evaluated: 2026-01-21. Review status: criteria provided, single submitter. Criteria: Invitae Variant Classification Sherloc (09022015). Collection method: clinical testing. Allele origin: germline.

Ambry Genetics
Classification: Benign for Cardiovascular phenotype. Last evaluated: 2024-03-19. Review status: criteria provided, single submitter. Criteria: Ambry Variant Classification Scheme 2023. Collection method: clinical testing. Allele origin: germline.

Revvity Omics, Revvity
Classification: Uncertain significance. Last evaluated: 2023-12-01. Review status: criteria provided, single submitter. Criteria: ACMG Guidelines, 2015. Collection method: clinical testing. Allele origin: germline.

Fulgent Genetics
Classification: Uncertain significance for Timothy syndrome; Brugada syndrome 3; Long QT syndrome 8. Last evaluated: 2021-08-03. Review status: criteria provided, single submitter. Criteria: ACMG Guidelines, 2015. Collection method: clinical testing. Allele origin: unknown.

GeneDx
Classification: Uncertain significance. Last evaluated: 2017-03-03. Review status: criteria provided, single submitter. Criteria: GeneDx Variant Classification (06012015). Collection method: clinical testing. Allele origin: germline. Affected: yes.
Comment: The R496Q variant of uncertain significance in the CACNA1C gene has not been published as pathogenic or benign to our knowledge. This variant is not observed at a significant frequency in large population cohorts (Lek et al., 2016; 1000 Genomes Consortium et al., 2015; Exome Variant Server). In addition, R496Q is a semi-conservative amino acid substitution, which may impact secondary protein structure as these residues differ in some properties. This substitution also occurs at a position that is conserved across species. Furthermore, the majority of in silico algorithms predict R496Q is probably damaging to the protein structure/function. Therefore, additional evidence is needed to determine whether this variant is pathogenic or benign.

NM_000719.7(CACNA1C):c.1487G>A (p.Arg496Gln)

Gene: CACNA1C (calcium voltage-gated channel subunit alpha1 C; plus strand). Cytogenetic location: 12p13.33.
Variant type: single nucleotide variant.
Coding change: c.1487G>A on transcript NM_000719.7 (MANE Select); coding-DNA position 1487, G replaced by A.
Protein change: p.Arg496Gln; replaces arginine 496 with glutamine.
Molecular consequence: missense variant.
Genome position (GRCh38, 1-based): chr12:2,556,956, G>A. VCF-style: chr12-2556956-G-A. GRCh37 (hg19) VCF-style: chr12-2666122-G-A.
Other names: p.R496Q:CGG>CAG; c.1487G>A, p.Arg496Gln (NM_001129827.2, NM_001129829.2, NM_001129830.3 and 18 more transcripts); c.1478G>A, p.Arg493Gln (NM_001129844.2); short protein forms R496Q, R493Q.
Identifiers: ClinVar variation 190640 (VCV000190640.27), dbSNP rs369255950, ClinGen allele CA301292.